The following is an entry in ClinVar:

NM_002471.4(MYH6):c.1046G>A (p.Gly349Asp)

Gene: MYH6 (myosin heavy chain 6; minus strand). Cytogenetic location: 14q11.2.
Variant type: single nucleotide variant.
Coding change: c.1046G>A on transcript NM_002471.4 (MANE Select); coding-DNA position 1046, G replaced by A.
Protein change: p.Gly349Asp; replaces glycine 349 with aspartic acid.
Molecular consequence: missense variant.
Genome position (GRCh38, 1-based): chr14:23,402,559, C>T on the plus strand (G>A on the coding strand, the complement: MYH6 is on the minus strand). VCF-style: chr14-23402559-C-T. GRCh37 (hg19) VCF-style: chr14-23871768-C-T.
Other names: short protein forms G349D.
Identifiers: ClinVar variation 2741186 (VCV002741186.4), dbSNP rs775571547, ClinGen allele CA7115913.
Genomic context (GRCh38, chr14:23,402,559, plus strand): 5'-TGCTTCTGCTTGAACTTCATGTTCCCGTAGTGCATGATGGCTCCCGTCAGCTTGTAGACG[C>T]CAGCTTTCTCCTCTGAAGTGAAGCCCAGCACGTCAAAGGCACTCTGGGACAGAGCGAGAG-3'
Protein context (NP_002462.2, residues 339-359): VLGFTSEEKA[Gly349Asp]VYKLTGAIMH

ClinVar aggregate classification (germline): Uncertain significance. Review status: criteria provided, multiple submitters, no conflicts (2 of 4 stars). 2 submissions from 2 submitters: Uncertain significance (2). Last evaluated 2024-10-15.

Conditions:
Cardiovascular phenotype. Identifiers: MedGen CN230736.
Hypertrophic cardiomyopathy 14. Identifiers: MedGen C2750467, MONDO:0013197, OMIM 613251.

Allele frequency attached by ClinVar (database versions not stated): gnomAD exomes below 0.00001; TOPMed below 0.00001; ExAC 0.00001.
gnomAD v4.1: 4 of 1,613,804 alleles (0.00025%); highest among the groups gnomAD compares: Non-Finnish European, 0.00034%; no homozygotes.

Submissions (2):

Labcorp Genetics (formerly Invitae), Labcorp
Classification: Uncertain significance for Hypertrophic cardiomyopathy 14. Last evaluated: 2024-10-15. Review status: criteria provided, single submitter. Criteria: Invitae Variant Classification Sherloc (09022015). Collection method: clinical testing. Allele origin: germline.
Comment: This sequence change replaces glycine, which is neutral and non-polar, with aspartic acid, which is acidic and polar, at codon 349 of the MYH6 protein (p.Gly349Asp). This variant is present in population databases (rs775571547, gnomAD 0.0009%). This variant has not been reported in the literature in individuals affected with MYH6-related conditions. Invitae Evidence Modeling of protein sequence and biophysical properties (such as structural, functional, and spatial information, amino acid conservation, physicochemical variation, residue mobility, and thermodynamic stability) indicates that this missense variant is not expected to disrupt MYH6 protein function with a negative predictive value of 80%. In summary, the available evidence is currently insufficient to determine the role of this variant in disease. Therefore, it has been classified as a Variant of Uncertain Significance.

Ambry Genetics
Classification: Uncertain significance for Cardiovascular phenotype. Last evaluated: 2024-07-04. Review status: criteria provided, single submitter. Criteria: Ambry Variant Classification Scheme 2023. Collection method: clinical testing. Allele origin: germline.
Comment: The p.G349D variant (also known as c.1046G>A), located in coding exon 10 of the MYH6 gene, results from a G to A substitution at nucleotide position 1046. The glycine at codon 349 is replaced by aspartic acid, an amino acid with similar properties. This amino acid position is conserved. In addition, the in silico prediction for this alteration is inconclusive. Based on the available evidence, the clinical significance of this variant remains unclear.